The following is an entry in ClinVar:

ClinVar aggregate classification (germline): Conflicting classifications of pathogenicity. Review status: criteria provided, conflicting classifications (1 of 4 stars). 12 submissions from 12 submitters: Uncertain significance (7); Likely benign (3). 2 of the submissions do not count toward it. Last evaluated 2026-02-05.

Conditions:
Inborn genetic diseases. Identifiers: MedGen C0950123, MeSH D030342.
Shwachman-Diamond syndrome 1 (SDS1). Also called: LIPOMATOSIS OF PANCREAS, CONGENITAL. Identifiers: MedGen C4692625, MONDO:0044204, OMIM 260400.
Bone marrow failure syndrome 3 (BMFS3). Identifiers: MedGen C4310744, MONDO:0014887, OMIM 617052.

Allele frequency attached by ClinVar (database versions not stated): ESP Exome Variant Server 0.00092; 1000 Genomes Project 0.00100; 1000 Genomes Project 30x 0.00109.

Submissions (12):

Women's Health and Genetics/Laboratory Corporation of America, LabCorp
Classification: Likely benign. Last evaluated: 2026-02-05. Review status: criteria provided, single submitter. Criteria: LabCorp Variant Classification Summary - May 2015. Collection method: clinical testing. Allele origin: germline.
Comment: Variant summary: DNAJC21 c.1016G>A (p.Arg339Gln) results in a conservative amino acid change in the encoded protein sequence. Algorithms developed to predict the effect of missense changes on protein structure and function are either unavailable or do not agree on the potential impact of this missense change. The variant allele was found at a frequency of 0.0008 in 251402 control chromosomes, predominantly at a frequency of 0.0014 within the Non-Finnish European subpopulation in the gnomAD database. The observed variant frequency within Non-Finnish European control individuals in the gnomAD database exceeds the estimated maximal expected allele frequency for disease-causing variants in DNAJC21. To our knowledge, no occurrence of c.1016G>A in individuals affected with DNAJC21-related conditions and no experimental evidence demonstrating its impact on protein function have been reported. ClinVar contains an entry for this variant (Variation ID: 1174703). Based on the evidence outlined above, the variant was classified as likely benign.

CeGaT Center for Human Genetics Tuebingen
Classification: Likely benign. Last evaluated: 2025-12-01. Review status: criteria provided, single submitter. Criteria: CeGaT Center For Human Genetics Tuebingen Variant Classification Criteria Version 2. Collection method: clinical testing. Allele origin: germline. Affected: yes. Observed: 3 variant alleles.
Comment: DNAJC21: BS1

Mayo Clinic Laboratories, Mayo Clinic
Classification: Likely benign. Last evaluated: 2025-11-15. Review status: criteria provided, single submitter. Criteria: ACMG Guidelines, 2015. Collection method: clinical testing. Allele origin: germline. Observed: 1 variant allele.
Comment: BS1, BP4

Ambry Genetics
Classification: Uncertain significance for Inborn genetic diseases. Last evaluated: 2025-02-21. Review status: criteria provided, single submitter. Criteria: Ambry Variant Classification Scheme 2023. Collection method: clinical testing. Allele origin: germline.

Labcorp Genetics (formerly Invitae), Labcorp
Classification: Uncertain significance. Last evaluated: 2025-01-29. Review status: criteria provided, single submitter. Criteria: Invitae Variant Classification Sherloc (09022015). Collection method: clinical testing. Allele origin: germline.
Comment: This sequence change replaces arginine, which is basic and polar, with glutamine, which is neutral and polar, at codon 339 of the DNAJC21 protein (p.Arg339Gln). This variant is present in population databases (rs142389949, gnomAD 0.1%), and has an allele count higher than expected for a pathogenic variant. This variant has not been reported in the literature in individuals affected with DNAJC21-related conditions. ClinVar contains an entry for this variant (Variation ID: 1174703). An algorithm developed to predict the effect of missense changes on protein structure and function (PolyPhen-2) suggests that this variant is likely to be disruptive. In summary, the available evidence is currently insufficient to determine the role of this variant in disease. Therefore, it has been classified as a Variant of Uncertain Significance.

Blueprint Genetics
Classification: Uncertain significance. Last evaluated: 2024-11-21. Review status: criteria provided, single submitter. Criteria: ACMG Guidelines, 2015. Collection method: clinical testing. Allele origin: germline.

ARUP Laboratories, Molecular Genetics and Genomics, ARUP Laboratories
Classification: Uncertain significance for Bone marrow failure syndrome 3. Last evaluated: 2024-02-08. Review status: criteria provided, single submitter. Criteria: ARUP Molecular Germline Variant Investigation Process 2024. Collection method: clinical testing. Allele origin: germline.

Genetic Services Laboratory, University of Chicago
Classification: Uncertain significance. Last evaluated: 2023-03-02. Review status: criteria provided, single submitter. Criteria: ACMG Guidelines, 2015. Collection method: clinical testing. Allele origin: germline. Affected: no.
Comment: DNA sequence analysis of the DNAJC21 gene demonstrated a sequence change, c.1016G>A, in exon 8 that results in an amino acid change, p.Arg339Gln. This sequence change does not appear to have been previously described in individuals with DNAJC21-related disorders. This sequence change has been described in the gnomAD database with a frequency of 0.13% in the European subpopulation (dbSNP rs142389949). The p.Arg339Gln change affects a moderately conserved amino acid residue located in a domain of the DNAJC21 protein that is known to be functional. In-silico pathogenicity prediction tools (SIFT, PolyPhen2, Align GVGD, REVEL) provide contradictory results for the p.Arg339Gln substitution. Due to insufficient evidences and the lack of functional studies, the clinical significance of the p.Arg339Gln change remains unknown at this time.

Fulgent Genetics
Classification: Uncertain significance for Shwachman-Diamond syndrome 1; Bone marrow failure syndrome 3. Last evaluated: 2022-04-05. Review status: criteria provided, single submitter. Criteria: ACMG Guidelines, 2015. Collection method: clinical testing. Allele origin: unknown.

Breakthrough Genomics
Classification: Uncertain significance. Review status: criteria provided, single submitter. Criteria: ACMG Guidelines, 2015. Collection method: not provided. Allele origin: germline. Inheritance: Autosomal recessive inheritance. Affected: yes.

Clinical Genetics DNA and cytogenetics Diagnostics Lab, Erasmus MC, Erasmus Medical Center
Classification: Uncertain significance. Review status: no assertion criteria provided. Collection method: clinical testing. Allele origin: germline. Affected: yes. Study: VKGL Data-share Consensus. Not counted in ClinVar's aggregate classification.

Diagnostic Laboratory, Department of Genetics, University Medical Center Groningen
Classification: Uncertain significance. Review status: no assertion criteria provided. Collection method: clinical testing. Allele origin: germline. Affected: yes. Study: VKGL Data-share Consensus. Not counted in ClinVar's aggregate classification.

NM_001012339.3(DNAJC21):c.1016G>A (p.Arg339Gln)

Gene: DNAJC21 (DnaJ heat shock protein family (Hsp40) member C21; plus strand). Cytogenetic location: 5p13.2.
Variant type: single nucleotide variant.
Coding change: c.1016G>A on transcript NM_001012339.3 (MANE Select); coding-DNA position 1016, G replaced by A.
Protein change: p.Arg339Gln; replaces arginine 339 with glutamine.
Molecular consequence: missense variant.
Genome position (GRCh38, 1-based): chr5:34,944,899, G>A. VCF-style: chr5-34944899-G-A. GRCh37 (hg19) VCF-style: chr5-34945004-G-A.
Other names: p.Arg339Gln; c.1016G>A (NM_001012339.2); c.1016G>A, p.Arg339Gln (NM_001348420.2, NM_194283.4); short protein forms R339Q.
Identifiers: ClinVar variation 1174703 (VCV001174703.32), dbSNP rs142389949, ClinGen allele CA3228680.